The following is an entry in ClinVar:

ClinVar aggregate classification (germline): Pathogenic. Review status: criteria provided, multiple submitters, no conflicts (2 of 4 stars). 2 submissions from 2 submitters: Pathogenic (2). Last evaluated 2025-03-20.

Conditions:
Osteogenesis imperfecta type I (OI1). Also called: Classic Non-deforming Osteogenesis Imperfecta with Blue Sclerae; Lobstein disease; OI, TYPE I; OSTEOGENESIS IMPERFECTA TARDA; OSTEOGENESIS IMPERFECTA WITH BLUE SCLERAE; Osteogenesis imperfecta type 1. Identifiers: Orphanet 216796, Orphanet 666, MedGen C0023931, MONDO:0008146, OMIM 166200. Disease mechanism: loss of function.

Allele frequency attached by ClinVar (database versions not stated): TOPMed below 0.00001.

Submissions (2):

GeneDx
Classification: Pathogenic. Last evaluated: 2025-03-20. Review status: criteria provided, single submitter. Criteria: GeneDx Variant Classification Process June 2021. Collection method: clinical testing. Allele origin: germline. Affected: yes.
Comment: Not observed at significant frequency in large population cohorts (gnomAD); Occurs in the triple helical domain and replaces a glycine in a canonical Gly-X-Y repeat; missense substitution of a canonical glycine residue is expected to disrupt normal protein folding and function, and this is an established mechanism of disease (PMID: 34007986); In silico analysis supports that this missense variant has a deleterious effect on protein structure/function; This variant is associated with the following publications: (PMID: 34007986, 16786509, 34902613)

Labcorp Genetics (formerly Invitae), Labcorp
Classification: Pathogenic for Osteogenesis imperfecta type I. Last evaluated: 2025-02-04. Review status: criteria provided, single submitter. Criteria: Invitae Variant Classification Sherloc (09022015). Collection method: clinical testing. Allele origin: germline.
Comment: This sequence change replaces glycine, which is neutral and non-polar, with valine, which is neutral and non-polar, at codon 320 of the COL1A1 protein (p.Gly320Val). This variant is not present in population databases (gnomAD no frequency). This missense change has been observed in individual(s) with osteogenesis imperfecta (PMID: 16786509). ClinVar contains an entry for this variant (Variation ID: 2736627). Experimental studies and prediction algorithms are not available or were not evaluated, and the functional significance of this variant is currently unknown. This variant disrupts the triple helix domain of COL1A1. Glycine residues within the Gly-Xaa-Yaa repeats of the triple helix domain are required for the structure and stability of fibrillar collagens (PMID: 7695699, 8218237, 19344236). In COL1A1, variants affecting these glycine residues are significantly enriched in individuals with disease (PMID: 9016532, 17078022) compared to the general population (ExAC). For these reasons, this variant has been classified as Pathogenic.

Literature cited by the submitters: PubMed 16786509 (cited by Labcorp Genetics (formerly Invitae), Labcorp); PubMed 7695699 (cited by Labcorp Genetics (formerly Invitae), Labcorp); PubMed 8218237 (cited by Labcorp Genetics (formerly Invitae), Labcorp); PubMed 19344236 (cited by Labcorp Genetics (formerly Invitae), Labcorp); PubMed 9016532 (cited by Labcorp Genetics (formerly Invitae), Labcorp); PubMed 17078022 (cited by Labcorp Genetics (formerly Invitae), Labcorp).

NM_000088.4(COL1A1):c.959G>T (p.Gly320Val)

Gene: COL1A1 (collagen type I alpha 1 chain; minus strand). Cytogenetic location: 17q21.33.
Variant type: single nucleotide variant.
Coding change: c.959G>T on transcript NM_000088.4 (MANE Select); coding-DNA position 959, G replaced by T.
Protein change: p.Gly320Val; replaces glycine 320 with valine.
Molecular consequence: missense variant.
Genome position (GRCh38, 1-based): chr17:50,196,198, C>A on the plus strand (G>T on the coding strand, the complement: COL1A1 is on the minus strand). VCF-style: chr17-50196198-C-A. GRCh37 (hg19) VCF-style: chr17-48273559-C-A.
Other names: short protein forms G320V.
Identifiers: ClinVar variation 2736627 (VCV002736627.4), dbSNP rs72645353, ClinGen allele CA291547144.